The following is an entry in ClinVar:

NM_016188.5(ACTL6B):c.703AAG[2] (p.Lys237del)

Gene: ACTL6B (actin like 6B; minus strand). Cytogenetic location: 7q22.1.
Variant type: Microsatellite.
Coding change: c.703AAG[2] on transcript NM_016188.5 (MANE Select); two copies in a row of the 3-base unit AAG starting at c.703; the reference has three copies in a row; one copy, 3 bases deleted.
Protein change: p.Lys237del; deletes lysine 237.
Molecular consequence: inframe deletion. On other transcripts: non-coding transcript variant (1).
Genome position (GRCh38, 1-based): chr7:100,647,492-100,647,494, CTT deleted on the plus strand (AAG on the coding strand, the reverse complement: ACTL6B is on the minus strand); deleting any 3 consecutive bases within chr7:100,647,492-100,647,501 gives the same sequence; the position shown is the placement nearest the transcript's 3' end. VCF-style (leftmost placement, unchanged base first): chr7-100647491-CCTT-C. GRCh37 (hg19) VCF-style: chr7-100245114-CCTT-C.
Other names: short protein forms K237del.
Identifiers: ClinVar variation 2500143 (VCV002500143.2), dbSNP rs755552228, ClinGen allele CA1105051954.

ClinVar aggregate classification (germline): Uncertain significance. Review status: criteria provided, single submitter (1 of 4 stars). 2 submissions from 2 submitters: Uncertain significance (1). 1 of the submissions does not count toward it. Last evaluated 2024-12-09.

Conditions:
Developmental and epileptic encephalopathy, 76. Also called: EPILEPTIC ENCEPHALOPATHY, EARLY INFANTILE, 76; DEVELOPMENTAL DELAY, EPILEPTIC ENCEPHALOPATHY, CEREBRAL ATROPHY, AND ABNORMAL MYELINATION. Identifiers: MedGen C5193113, MONDO:0032768, OMIM 618468.

Submissions (2):

GeneDx
Classification: Uncertain significance. Last evaluated: 2024-12-09. Review status: criteria provided, single submitter. Criteria: GeneDx Variant Classification Process June 2021. Collection method: clinical testing. Allele origin: germline. Affected: yes.
Comment: Observed in an individual with a neurodevelopmental disorder in published literature, but additional clinical information was not provided (PMID: 37500730); Not observed at significant frequency in large population cohorts (gnomAD); In-frame deletion of 1 amino acid(s) in a non-repeat region; In silico analysis supports a deleterious effect on protein structure/function; This variant is associated with the following publications: (PMID: 37500730)

Houlden Lab, UCL Institute of Neurology
Classification: Pathogenic for Developmental and epileptic encephalopathy, 76. Review status: no assertion criteria provided. Collection method: research. Allele origin: germline. Affected: yes. Observed: 1 variant allele. Not counted in ClinVar's aggregate classification.
Comment: This variant was identified in a compound heterozygous state with another ACTL6B variant (c.695_696insC) for this condition.